The following is an entry in ClinVar:

ClinVar aggregate classification (germline): Benign/Likely benign. Review status: criteria provided, multiple submitters, no conflicts (2 of 4 stars). 8 submissions from 8 submitters: Benign (2); Likely benign (5). 1 of the submissions does not count toward it. Last evaluated 2026-09-01.

Conditions:
Inborn genetic diseases. Identifiers: MedGen C0950123, MeSH D030342.
WDR81-related disorder. Also called: WDR81-related condition.

Allele frequency attached by ClinVar (database versions not stated): ExAC 0.00277; 1000 Genomes Project 30x 0.00156; gnomAD 0.00163 and 0.00177; 1000 Genomes Project 0.00180; ESP Exome Variant Server 0.00185; TOPMed 0.00189; gnomAD exomes 0.00257.
gnomAD v4.1: 3,632 of 1,589,606 alleles (0.23%); highest among the groups gnomAD compares: Middle Eastern, 1.8%; 17 homozygotes.

Submissions (8):

CeGaT Center for Human Genetics Tuebingen
Classification: Likely benign. Last evaluated: 2026-09-01. Review status: criteria provided, single submitter. Criteria: CeGaT Center For Human Genetics Tuebingen Variant Classification Criteria Version 2. Collection method: clinical testing. Allele origin: germline. Affected: yes. Observed: 21 variant alleles.
Comment: WDR81: BP4, BS2

Blueprint Genetics
Classification: Likely benign. Last evaluated: 2024-11-27. Review status: criteria provided, single submitter. Criteria: ACMG Guidelines, 2015. Collection method: clinical testing. Allele origin: germline.

Mayo Clinic Laboratories, Mayo Clinic
Classification: Benign. Last evaluated: 2023-12-21. Review status: criteria provided, single submitter. Criteria: ACMG Guidelines, 2015. Collection method: clinical testing. Allele origin: germline. Observed: 5 variant alleles.
Comment: BA1, BS2, BP4

Ambry Genetics
Classification: Likely benign for Inborn genetic diseases. Last evaluated: 2023-03-27. Review status: criteria provided, single submitter. Criteria: Ambry Variant Classification Scheme 2023. Collection method: clinical testing. Allele origin: germline.

Labcorp Genetics (formerly Invitae), Labcorp
Classification: Benign. Last evaluated: 2019-12-31. Review status: criteria provided, single submitter. Criteria: Invitae Variant Classification Sherloc (09022015). Collection method: clinical testing. Allele origin: germline.

GeneDx
Classification: Likely benign. Last evaluated: 2018-05-15. Review status: criteria provided, single submitter. Criteria: GeneDx Variant Classification (06012015). Collection method: clinical testing. Allele origin: germline. Affected: yes.
Comment: This variant is considered likely benign or benign based on one or more of the following criteria: it is a conservative change, it occurs at a poorly conserved position in the protein, it is predicted to be benign by multiple in silico algorithms, and/or has population frequency not consistent with disease.

Breakthrough Genomics
Classification: Likely benign. Review status: criteria provided, single submitter. Criteria: ACMG Guidelines, 2015. Collection method: not provided. Allele origin: germline. Inheritance: Autosomal recessive inheritance. Affected: yes.

PreventionGenetics, part of Exact Sciences
Classification: Benign for WDR81-related condition. Last evaluated: 2019-07-12. Review status: no assertion criteria provided. Collection method: clinical testing. Allele origin: germline. Not counted in ClinVar's aggregate classification.
Comment: This variant is classified as benign based on ACMG/AMP sequence variant interpretation guidelines (Richards et al. 2015 PMID: 25741868, with internal and published modifications).

NM_001163809.2(WDR81):c.5161G>A (p.Val1721Ile)

Gene: WDR81 (WD repeat domain 81; plus strand). Cytogenetic location: 17p13.3.
Variant type: single nucleotide variant.
Coding change: c.5161G>A on transcript NM_001163809.2 (MANE Select); coding-DNA position 5161, G replaced by A.
Protein change: p.Val1721Ile; replaces valine 1721 with isoleucine.
Molecular consequence: missense variant.
Genome position (GRCh38, 1-based): chr17:1,734,198, G>A. VCF-style: chr17-1734198-G-A. GRCh37 (hg19) VCF-style: chr17-1637492-G-A.
Other names: p.Val1721Ile; c.1552G>A, p.Val518Ile (NM_001163673.2); c.1480G>A, p.Val494Ile (NM_001163811.2); c.2008G>A, p.Val670Ile (NM_152348.4); short protein forms V494I, V670I, V1721I, V518I.
Identifiers: ClinVar variation 669874 (VCV000669874.35), dbSNP rs143022530, ClinGen allele CA8273770.
Genomic context (GRCh38, chr17:1,734,198, plus strand): 5'-TTCTTCGTGGGCCAGCTTGAGGCCCCGCAGCACGTGGTGAGCTGTGACGGGGCTGTGCAC[G>A]TCTGGGACCCCTTCACAGGTGAGCGGGCCCAGGTGAGGCCTGTTCTCTTCCTGCTCCTGC-3'
Protein context (NP_001157281.1, residues 1711-1731): HVVSCDGAVH[Val1721Ile]WDPFTGKTLR